The following is an entry in ClinVar:

ClinVar aggregate classification (germline): Uncertain significance. Review status: criteria provided, multiple submitters, no conflicts (2 of 4 stars). 3 submissions from 3 submitters: Uncertain significance (3). Last evaluated 2025-03-19.

Conditions:
Inborn genetic diseases. Identifiers: MedGen C0950123, MeSH D030342.

Submissions (3):

GeneDx
Classification: Uncertain significance. Last evaluated: 2025-03-19. Review status: criteria provided, single submitter. Criteria: GeneDx Variant Classification Process June 2021. Collection method: clinical testing. Allele origin: germline. Affected: yes.
Comment: Not observed at significant frequency in large population cohorts (gnomAD); In silico analysis indicates that this missense variant does not alter protein structure/function; Has not been previously published as pathogenic or benign to our knowledge

Ambry Genetics
Classification: Uncertain significance for Inborn genetic diseases. Last evaluated: 2024-12-07. Review status: criteria provided, single submitter. Criteria: Ambry Variant Classification Scheme 2023. Collection method: clinical testing. Allele origin: germline.

Labcorp Genetics (formerly Invitae), Labcorp
Classification: Uncertain significance. Last evaluated: 2022-12-07. Review status: criteria provided, single submitter. Criteria: Invitae Variant Classification Sherloc (09022015). Collection method: clinical testing. Allele origin: germline.
Comment: Algorithms developed to predict the effect of missense changes on protein structure and function are either unavailable or do not agree on the potential impact of this missense change (SIFT: "Tolerated"; PolyPhen-2: "Possibly Damaging"; Align-GVGD: "Class C0"). In summary, the available evidence is currently insufficient to determine the role of this variant in disease. Therefore, it has been classified as a Variant of Uncertain Significance. This variant has not been reported in the literature in individuals affected with DLL1-related conditions. This variant is present in population databases (no rsID available, gnomAD 0.003%). This sequence change replaces arginine, which is basic and polar, with histidine, which is basic and polar, at codon 168 of the DLL1 protein (p.Arg168His).

NM_005618.4(DLL1):c.503G>A (p.Arg168His)

Gene: DLL1 (delta like canonical Notch ligand 1; minus strand). Cytogenetic location: 6q27.
Variant type: single nucleotide variant.
Coding change: c.503G>A on transcript NM_005618.4 (MANE Select); coding-DNA position 503, G replaced by A.
Protein change: p.Arg168His; replaces arginine 168 with histidine.
Molecular consequence: missense variant.
Genome position (GRCh38, 1-based): chr6:170,288,406, C>T on the plus strand (G>A on the coding strand, the complement: DLL1 is on the minus strand). VCF-style: chr6-170288406-C-T. GRCh37 (hg19) VCF-style: chr6-170597494-C-T.
Other names: c.503G>A (NM_005618.3); short protein forms R168H.
Identifiers: ClinVar variation 1958196 (VCV001958196.7), dbSNP rs1381920404, ClinGen allele CA366509429.